The following is an entry in ClinVar:

ClinVar aggregate classification (germline): Conflicting classifications of pathogenicity. Review status: criteria provided, conflicting classifications (1 of 4 stars). 2 submissions from 2 submitters: Likely pathogenic (1); Uncertain significance (1). Last evaluated 2025-09-01.

Conditions:
Glycogen storage disease due to muscle beta-enolase deficiency (GSD13). Also called: ENOLASE 3 DEFICIENCY; ENOLASE-BETA DEFICIENCY; GSD XIII; Glycogen Storage Disease Type XIII. Identifiers: Orphanet 99849, MedGen C2752027, MONDO:0013046, OMIM 612932.

Allele frequency attached by ClinVar (database versions not stated): TOPMed 0.00001; gnomAD exomes 0.00002; ESP Exome Variant Server 0.00008; ExAC 0.00002.

Submissions (2):

Dasa
Classification: Likely pathogenic for Glycogen storage disease due to muscle beta-enolase deficiency. Last evaluated: 2025-09-01. Review status: criteria provided, single submitter. Criteria: DASA Assertion Criteria. Collection method: clinical testing. Allele origin: germline.
Comment: NM_053013.4(ENO3):c.235C>T (p.Gln79*) is a nonsense variant in ENO3 predicted to introduce a premature termination codon and is predicted to result in an absent or altered protein product. Loss of function is an established disease mechanism for ENO3-associated disorders. Also, this variant is rare in population databases. Based on the currently available evidence, this variant is classified as likely pathogenic.

Labcorp Genetics (formerly Invitae), Labcorp
Classification: Uncertain significance for Glycogen storage disease due to muscle beta-enolase deficiency. Last evaluated: 2022-02-03. Review status: criteria provided, single submitter. Criteria: Invitae Variant Classification Sherloc (09022015). Collection method: clinical testing. Allele origin: germline.
Comment: This sequence change creates a premature translational stop signal (p.Gln79*) in the ENO3 gene. It is expected to result in an absent or disrupted protein product. However, the current clinical and genetic evidence is not sufficient to establish whether loss-of-function variants in ENO3 cause disease. This variant is present in population databases (rs374246241, gnomAD 0.003%). This variant has not been reported in the literature in individuals affected with ENO3-related conditions. In summary, the available evidence is currently insufficient to determine the role of this variant in disease. Therefore, it has been classified as a Variant of Uncertain Significance.

NM_053013.4(ENO3):c.235C>T (p.Gln79Ter)

Gene: ENO3 (enolase 3; plus strand). Cytogenetic location: 17p13.2.
Variant type: single nucleotide variant.
Coding change: c.235C>T on transcript NM_053013.4 (MANE Select); coding-DNA position 235, C replaced by T.
Protein change: p.Gln79Ter; replaces glutamine 79 with a stop codon.
Molecular consequence: nonsense. On other transcripts: intron variant (1).
Genome position (GRCh38, 1-based): chr17:4,953,104, C>T. VCF-style: chr17-4953104-C-T. GRCh37 (hg19) VCF-style: chr17-4856399-C-T.
Other names: c.235C>T, p.Gln79Ter (NM_001374523.1, NM_001976.5); c.262C>T, p.Gln88Ter (NM_001374524.1); c.181+214C>T (NM_001193503.2); short protein forms Q79*, Q88*.
Identifiers: ClinVar variation 2160363 (VCV002160363.3), dbSNP rs374246241, ClinGen allele CA8316204.